The following is an entry in ClinVar:

NM_000350.3(ABCA4):c.3305A>T (p.Asp1102Val)

Gene: ABCA4 (ATP binding cassette subfamily A member 4; minus strand). Cytogenetic location: 1p22.1.
Variant type: single nucleotide variant.
Coding change: c.3305A>T on transcript NM_000350.3 (MANE Select); coding-DNA position 3305, A replaced by T.
Protein change: p.Asp1102Val; replaces aspartic acid 1102 with valine.
Molecular consequence: missense variant.
Genome position (GRCh38, 1-based): chr1:94,042,784, T>A on the plus strand (A>T on the coding strand, the complement: ABCA4 is on the minus strand). VCF-style: chr1-94042784-T-A. GRCh37 (hg19) VCF-style: chr1-94508340-T-A.
Other names: c.3083A>T, p.Asp1028Val (NM_001425324.1); short protein forms D1102V, D1028V.
Identifiers: ClinVar variation 938220 (VCV000938220.9), dbSNP rs143689372, ClinGen allele CA957986.

ClinVar aggregate classification (germline): Pathogenic (1 of 4 stars; one submission).

Allele frequency attached by ClinVar (database versions not stated): ExAC 0.00001; TOPMed 0.00001; ESP Exome Variant Server 0.00008.
gnomAD v4.1: 9 of 1,614,056 alleles (0.00056%); highest among the groups gnomAD compares: Non-Finnish European, 0.00068%; no homozygotes.

Submission:

Labcorp Genetics (formerly Invitae), Labcorp
Classification: Pathogenic. Last evaluated: 2023-03-10. Review status: criteria provided, single submitter. Criteria: Invitae Variant Classification Sherloc (09022015). Collection method: clinical testing. Allele origin: germline.
Comment: This sequence change replaces aspartic acid, which is acidic and polar, with valine, which is neutral and non-polar, at codon 1102 of the ABCA4 protein (p.Asp1102Val). This variant is present in population databases (rs143689372, gnomAD 0.0009%). This missense change has been observed in individual(s) with retinal disease and/or Stargardt disease (PMID: 20029649, 29925512, 32531858). For these reasons, this variant has been classified as Pathogenic. This variant disrupts the p.Asp1102 amino acid residue in ABCA4. Other variant(s) that disrupt this residue have been determined to be pathogenic (PMID: 22427542; Invitae). This suggests that this residue is clinically significant, and that variants that disrupt this residue are likely to be disease-causing. Advanced modeling of protein sequence and biophysical properties (such as structural, functional, and spatial information, amino acid conservation, physicochemical variation, residue mobility, and thermodynamic stability) performed at Invitae indicates that this missense variant is expected to disrupt ABCA4 protein function. ClinVar contains an entry for this variant (Variation ID: 938220).

Literature cited by the submitters: PubMed 20029649; PubMed 29925512; PubMed 32531858; PubMed 22427542.